The following is an entry in ClinVar:

NC_000002.11:g.(?_210737462)_(210737714_?)del

Gene: UNC80 (unc-80 homolog, NALCN channel complex subunit; plus strand). Cytogenetic location: 2q34.
Variant type: Deletion.
Identifiers: ClinVar variation 2427042 (VCV002427042.4).

ClinVar aggregate classification (germline): Uncertain significance (1 of 4 stars; one submission).

Submission:

Labcorp Genetics (formerly Invitae), Labcorp
Classification: Uncertain significance. Last evaluated: 2022-06-23. Review status: criteria provided, single submitter. Criteria: Invitae Variant Classification Sherloc (09022015). Collection method: clinical testing. Allele origin: germline.
Comment: In summary, the available evidence is currently insufficient to determine the role of this variant in disease. Therefore, it has been classified as a Variant of Uncertain Significance. Experimental studies and prediction algorithms are not available or were not evaluated, and the functional significance of this variant is currently unknown. This variant has not been reported in the literature in individuals affected with UNC80-related conditions. This variant is a gross deletion of the genomic region encompassing exon(s) 23 of the UNC80 gene. This variant would be expected to be in-frame, preserving the integrity of the reading frame.